The following is an entry in ClinVar:

ClinVar aggregate classification (germline): Uncertain significance (1 of 4 stars; one submission).

gnomAD v4.1: 5 of 1,607,784 alleles (0.00031%); highest among the groups gnomAD compares: Non-Finnish European, 0.00042%; no homozygotes.

Submission:

GeneDx
Classification: Uncertain significance. Last evaluated: 2024-08-08. Review status: criteria provided, single submitter. Criteria: GeneDx Variant Classification Process June 2021. Collection method: clinical testing. Allele origin: germline. Affected: yes.
Comment: Not observed at significant frequency in large population cohorts (gnomAD); In silico analysis indicates that this missense variant does not alter protein structure/function; Has not been previously published as pathogenic or benign to our knowledge

NM_001353694.2(TIAM1):c.1475A>G (p.Lys492Arg)

Gene: TIAM1 (TIAM Rac1 associated GEF 1; minus strand). Cytogenetic location: 21q22.11.
Variant type: single nucleotide variant.
Coding change: c.1475A>G on transcript NM_001353694.2 (MANE Select); coding-DNA position 1475, A replaced by G.
Protein change: p.Lys492Arg; replaces lysine 492 with arginine.
Molecular consequence: missense variant.
Genome position (GRCh38, 1-based): chr21:31,245,597, T>C on the plus strand (A>G on the coding strand, the complement: TIAM1 is on the minus strand). VCF-style: chr21-31245597-T-C. GRCh37 (hg19) VCF-style: chr21-32617913-T-C.
Other names: c.1475A>G, p.Lys492Arg (NM_001353686.2, NM_001353687.2, NM_001353688.1 and 6 more transcripts); short protein forms K492R.
Identifiers: ClinVar variation 3603173 (VCV003603173.1).